The following is an entry in ClinVar:

ClinVar aggregate classification (germline): Uncertain significance (1 of 4 stars; one submission).

Submission:

Labcorp Genetics (formerly Invitae), Labcorp
Classification: Uncertain significance. Last evaluated: 2022-08-30. Review status: criteria provided, single submitter. Criteria: Invitae Variant Classification Sherloc (09022015). Collection method: clinical testing. Allele origin: germline.
Comment: In summary, the available evidence is currently insufficient to determine the role of this variant in disease. Therefore, it has been classified as a Variant of Uncertain Significance. This sequence change replaces cysteine, which is neutral and slightly polar, with arginine, which is basic and polar, at codon 554 of the ITGB3 protein (p.Cys554Arg). This variant is not present in population databases (gnomAD no frequency). This variant has not been reported in the literature in individuals affected with ITGB3-related conditions. Algorithms developed to predict the effect of missense changes on protein structure and function (SIFT, PolyPhen-2, Align-GVGD) all suggest that this variant is likely to be disruptive.

NM_000212.3(ITGB3):c.1660T>C (p.Cys554Arg)

Gene: ITGB3 (integrin subunit beta 3; plus strand). Cytogenetic location: 17q21.32.
Variant type: single nucleotide variant.
Coding change: c.1660T>C on transcript NM_000212.3 (MANE Select); coding-DNA position 1660, T replaced by C.
Protein change: p.Cys554Arg; replaces cysteine 554 with arginine.
Molecular consequence: missense variant.
Genome position (GRCh38, 1-based): chr17:47,292,538, T>C. VCF-style: chr17-47292538-T-C. GRCh37 (hg19) VCF-style: chr17-45369904-T-C.
Other names: short protein forms C554R.
Identifiers: ClinVar variation 1718365 (VCV001718365.5), dbSNP rs2143114223, ClinGen allele CA400030259.